The following is an entry in ClinVar:

ClinVar aggregate classification (germline): Uncertain significance (1 of 4 stars; one submission).

Allele frequency attached by ClinVar (database versions not stated): ESP Exome Variant Server 0.00023; 1000 Genomes Project 30x 0.00047; gnomAD 0.00053; TOPMed 0.00053; 1000 Genomes Project 0.00060.
gnomAD v4.1: 143 of 1,580,658 alleles (0.009%); highest among the groups gnomAD compares: African/African-American, 0.17%; no homozygotes.

Submission:

GeneDx
Classification: Uncertain significance. Last evaluated: 2015-01-02. Review status: criteria provided, single submitter. Criteria: GeneDx Variant Classification (06012015). Collection method: clinical testing. Allele origin: germline. Affected: yes.
Comment: c.-17 C>G in exon 1 of the SCARB2 gene (NM_005506.3) The c.-17 C>G heterozygous variant in the 5' untranslated region of SCARB2 has not been published as a mutation, nor has it been reported as a benign polymorphism to our knowledge. It was not observed in approximately 6,400 individuals of European and African American ancestry in the NHLBI Exome Sequencing Project, and in the 1000 Genomes Project c.-17 C>G was observed in 1.1% (2/176) alleles from individuals of African ancestry, indicating it may be a rare variant in this population. To our knowledge, no regulatory mutations have been reported in the SCARB2 gene in association with epilepsy. However, splice prediction models indicate that the c.-17 C>G variant may create a cryptic donor splice site in the first exon. In the absence of RNA/functional studies, the actual effect of the c.-17 C>G sequence change is unknown. Therefore, based on the currently available information, it is unclear whether this variant is a pathogenic mutation or a rare benign variant.The variant is found in EPILEPSYV2-1 panel(s).

NM_005506.4(SCARB2):c.-17C>G

Gene: SCARB2 (scavenger receptor class B member 2; minus strand). Cytogenetic location: 4q21.1.
Variant type: single nucleotide variant.
Coding change: c.-17C>G on transcript NM_005506.4 (MANE Select); 17 bases upstream of the start codon, C replaced by G.
Molecular consequence: 5 prime UTR variant.
Genome position (GRCh38, 1-based): chr4:76,213,560, G>C on the plus strand (C>G on the coding strand, the complement: SCARB2 is on the minus strand). VCF-style: chr4-76213560-G-C. GRCh37 (hg19) VCF-style: chr4-77134713-G-C.
Other names: c.-17C>G (NM_001204255.2).
Identifiers: ClinVar variation 206721 (VCV000206721.2), dbSNP rs200282963, ClinGen allele CA317087.